The following is an entry in ClinVar:

NM_000186.4(CFH):c.2459C>T (p.Ser820Phe)

Gene: CFH (complement factor H; plus strand). Cytogenetic location: 1q31.3.
Variant type: single nucleotide variant.
Coding change: c.2459C>T on transcript NM_000186.4 (MANE Select); coding-DNA position 2459, C replaced by T.
Protein change: p.Ser820Phe; replaces serine 820 with phenylalanine.
Molecular consequence: missense variant.
Genome position (GRCh38, 1-based): chr1:196,736,869, C>T. VCF-style: chr1-196736869-C-T. GRCh37 (hg19) VCF-style: chr1-196705999-C-T.
Other names: short protein forms S820F.
Identifiers: ClinVar variation 2696645 (VCV002696645.3), dbSNP rs2529531479, ClinGen allele CA343992771.

ClinVar aggregate classification (germline): Uncertain significance (1 of 4 stars; one submission).

Submission:

Labcorp Genetics (formerly Invitae), Labcorp
Classification: Uncertain significance. Last evaluated: 2023-11-17. Review status: criteria provided, single submitter. Criteria: Invitae Variant Classification Sherloc (09022015). Collection method: clinical testing. Allele origin: germline.
Comment: This sequence change replaces serine, which is neutral and polar, with phenylalanine, which is neutral and non-polar, at codon 820 of the CFH protein (p.Ser820Phe). This variant is not present in population databases (gnomAD no frequency). This variant has not been reported in the literature in individuals affected with CFH-related conditions. An algorithm developed to predict the effect of missense changes on protein structure and function (PolyPhen-2) suggests that this variant is likely to be disruptive. In summary, the available evidence is currently insufficient to determine the role of this variant in disease. Therefore, it has been classified as a Variant of Uncertain Significance.